The following is an entry in ClinVar:

ClinVar aggregate classification (germline): Uncertain significance (1 of 4 stars; one submission).

Conditions:
Hereditary nonpolyposis colorectal neoplasms. Identifiers: MedGen C0009405, MeSH D003123.

Submission:

Labcorp Genetics (formerly Invitae), Labcorp
Classification: Uncertain significance for Hereditary nonpolyposis colorectal neoplasms. Last evaluated: 2021-12-27. Review status: criteria provided, single submitter. Criteria: Invitae Variant Classification Sherloc (09022015). Collection method: clinical testing. Allele origin: germline.
Comment: In summary, the available evidence is currently insufficient to determine the role of this variant in disease. Therefore, it has been classified as a Variant of Uncertain Significance. Advanced modeling of protein sequence and biophysical properties (such as structural, functional, and spatial information, amino acid conservation, physicochemical variation, residue mobility, and thermodynamic stability) performed at Invitae indicates that this missense variant is not expected to disrupt MSH6 protein function. This variant has not been reported in the literature in individuals affected with MSH6-related conditions. This variant is not present in population databases (gnomAD no frequency). This sequence change replaces aspartic acid, which is acidic and polar, with histidine, which is basic and polar, at codon 1084 of the MSH6 protein (p.Asp1084His).

NM_000179.3(MSH6):c.3250G>C (p.Asp1084His)

Gene: MSH6 (mutS homolog 6; plus strand). Cytogenetic location: 2p16.3.
Variant type: single nucleotide variant.
Coding change: c.3250G>C on transcript NM_000179.3 (MANE Select); coding-DNA position 3250, G replaced by C.
Protein change: p.Asp1084His; replaces aspartic acid 1084 with histidine.
Molecular consequence: missense variant.
Genome position (GRCh38, 1-based): chr2:47,803,497, G>C. VCF-style: chr2-47803497-G-C. GRCh37 (hg19) VCF-style: chr2-48030636-G-C.
Other names: c.2953G>C, p.Asp985His (NM_001406818.1, NM_001406819.1, NM_001406820.1 and 10 more transcripts); c.1195G>C, p.Asp399His (NM_001407362.1); c.2860G>C, p.Asp954His (NM_001281492.2); c.2344G>C, p.Asp782His (NM_001281493.2, NM_001281494.2, NM_001406814.1 and 6 more transcripts); c.3346G>C, p.Asp1116His (NM_001406795.1, NM_001406802.1); c.3250G>C, p.Asp1084His (NM_001406796.1, NM_001406800.1, NM_001406808.1 and 1 more transcripts); c.2725G>C, p.Asp909His (NM_001406799.1, NM_001406806.1, NM_001406807.1); c.1684G>C, p.Asp562His (NM_001406817.1); and 6 more; short protein forms D1028H, D1058H, D1084H, D796H, D954H, D11H, D33H, D399H.
Identifiers: ClinVar variation 2062833 (VCV002062833.4), dbSNP rs1553331360, ClinGen allele CA346758120.